The following is an entry in ClinVar:

ClinVar aggregate classification (germline): Conflicting classifications of pathogenicity. Review status: criteria provided, conflicting classifications (1 of 4 stars). 3 submissions from 3 submitters: Uncertain significance (1); Likely benign (2). Last evaluated 2026-07-08.

Conditions:
Hereditary cancer-predisposing syndrome. Also called: Hereditary neoplastic syndrome; Neoplastic Syndromes, Hereditary; Tumor predisposition; Hereditary Cancer Syndrome. Identifiers: Orphanet 140162, MedGen C0027672, MeSH D009386, MONDO:0015356.
Rhabdoid tumor predisposition syndrome 2 (RTPS2). Identifiers: Orphanet 231108, Orphanet 69077, MedGen C2750074, MONDO:0013224, OMIM 613325.

Allele frequency attached by ClinVar (database versions not stated): TOPMed 0.00001.

Submissions (3):

Myriad Genetics, Inc.
Classification: Likely benign for Rhabdoid tumor predisposition syndrome 2. Last evaluated: 2026-07-08. Review status: criteria provided, single submitter. Criteria: Myriad Autosomal Dominant, Autosomal Recessive and X-Linked Classification Criteria (2023). Collection method: clinical testing. Allele origin: unknown.
Comment: This variant is considered likely benign. This variant is intronic and is not expected to impact mRNA splicing.

Labcorp Genetics (formerly Invitae), Labcorp
Classification: Likely benign for Rhabdoid tumor predisposition syndrome 2. Last evaluated: 2025-04-10. Review status: criteria provided, single submitter. Criteria: Invitae Variant Classification Sherloc (09022015). Collection method: clinical testing. Allele origin: germline.

Sema4
Classification: Uncertain significance for Hereditary cancer-predisposing syndrome. Last evaluated: 2021-12-22. Review status: criteria provided, single submitter. Criteria: Sema4 Curation Guidelines. Collection method: curation. Allele origin: germline.
Comment: The SMARCA4 c.3952-9G>A variant has not been reported in the literature to our knowledge. This variant was not observed in the large and broad cohorts of the Genome Aggregation Database (PMID: 32461654). This variant has been reported in ClinVar (Variation ID 772964). In silico tools that predict the effect of sequence changes on splicing suggest that this variant may impact splicing though these predictions have not been confirmed by functional studies. The overall evidence is insufficient to meet ACMG/AMP criteria for classifying it as benign or pathogenic. In summary, the clinical significance of this variant is currently uncertain.

NM_003072.5(SMARCA4):c.3952-9G>A

Gene: SMARCA4 (SWI/SNF related BAF chromatin remodeling complex subunit ATPase 4; plus strand). Cytogenetic location: 19p13.2.
Variant type: single nucleotide variant.
Coding change: c.3952-9G>A on transcript NM_003072.5 (MANE Select); 9 bases into the intron before coding-DNA position 3952, G replaced by A.
Molecular consequence: intron variant.
Genome position (GRCh38, 1-based): chr19:11,034,905, G>A. VCF-style: chr19-11034905-G-A. GRCh37 (hg19) VCF-style: chr19-11145581-G-A.
Other names: c.3952-9G>A (NM_001128844.3, NM_001128849.3); c.3853-9G>A (NM_001128847.4, NM_001374457.1, NM_001128845.2 and 2 more transcripts).
Identifiers: ClinVar variation 772964 (VCV000772964.13), dbSNP rs910572313, ClinGen allele CA305291436.